The following is an entry in ClinVar:

NM_014727.3(KMT2B):c.1319C>T (p.Pro440Leu)

Gene: KMT2B (lysine methyltransferase 2B; plus strand). Cytogenetic location: 19q13.12.
Variant type: single nucleotide variant.
Coding change: c.1319C>T on transcript NM_014727.3 (MANE Select); coding-DNA position 1319, C replaced by T.
Protein change: p.Pro440Leu; replaces proline 440 with leucine.
Molecular consequence: missense variant.
Genome position (GRCh38, 1-based): chr19:35,720,666, C>T. VCF-style: chr19-35720666-C-T. GRCh37 (hg19) VCF-style: chr19-36211568-C-T.
Other names: short protein forms P440L.
Identifiers: ClinVar variation 4701773 (VCV004701773.1).
Genomic context (GRCh38, chr19:35,720,666, plus strand): 5'-CTTCGACATCTCCTCCACCCCCACTCTGCCCTCCACCACCACCCCCAGTGTCCCCACCAC[C>T]TCTACCATCCCCTCCACCGCCTCCTGCCCAAGAGGAGCAGGAGGAATCCCCTCCTCCTGT-3'
Protein context (NP_055542.1, residues 430-450): PPPPPPVSPP[Pro440Leu]LPSPPPPPAQ

ClinVar aggregate classification (germline): Uncertain significance (1 of 4 stars; one submission).

gnomAD v4.1: 23 of 1,478,312 alleles (0.0016%); highest among the groups gnomAD compares: Non-Finnish European, 0.0021%; no homozygotes.

Submission:

Labcorp Genetics (formerly Invitae), Labcorp
Classification: Uncertain significance. Last evaluated: 2025-08-02. Review status: criteria provided, single submitter. Criteria: Invitae Variant Classification Sherloc (09022015). Collection method: clinical testing. Allele origin: germline.
Comment: This sequence change replaces proline, which is neutral and non-polar, with leucine, which is neutral and non-polar, at codon 440 of the KMT2B protein (p.Pro440Leu). This variant is not present in population databases (gnomAD no frequency). This variant has not been reported in the literature in individuals affected with KMT2B-related conditions. Invitae Evidence Modeling of protein sequence and biophysical properties (such as structural, functional, and spatial information, amino acid conservation, physicochemical variation, residue mobility, and thermodynamic stability) indicates that this missense variant is not expected to disrupt KMT2B protein function with a negative predictive value of 95%. In summary, the available evidence is currently insufficient to determine the role of this variant in disease. Therefore, it has been classified as a Variant of Uncertain Significance.